The following is an entry in ClinVar:

NM_006922.4(SCN3A):c.4827G>A (p.Met1609Ile)

Gene: SCN3A (sodium voltage-gated channel alpha subunit 3; minus strand). Cytogenetic location: 2q24.3.
Variant type: single nucleotide variant.
Coding change: c.4827G>A on transcript NM_006922.4 (MANE Select); coding-DNA position 4827, G replaced by A.
Protein change: p.Met1609Ile; replaces methionine 1609 with isoleucine.
Molecular consequence: missense variant.
Genome position (GRCh38, 1-based): chr2:165,091,326, C>T on the plus strand (G>A on the coding strand, the complement: SCN3A is on the minus strand). VCF-style: chr2-165091326-C-T. GRCh37 (hg19) VCF-style: chr2-165947836-C-T.
Other names: c.4680G>A, p.Met1560Ile (NM_001081676.2, NM_001081677.2); short protein forms M1560I, M1609I.
Identifiers: ClinVar variation 1934263 (VCV001934263.5), dbSNP rs138746732, ClinGen allele CA59709003.

ClinVar aggregate classification (germline): Uncertain significance (1 of 4 stars; one submission).

Allele frequency attached by ClinVar (database versions not stated): gnomAD exomes 0.00001; ESP Exome Variant Server 0.00008.

Submission:

Labcorp Genetics (formerly Invitae), Labcorp
Classification: Uncertain significance. Last evaluated: 2025-08-10. Review status: criteria provided, single submitter. Criteria: Invitae Variant Classification Sherloc (09022015). Collection method: clinical testing. Allele origin: germline.
Comment: This sequence change replaces methionine, which is neutral and non-polar, with isoleucine, which is neutral and non-polar, at codon 1609 of the SCN3A protein (p.Met1609Ile). This variant is present in population databases (rs138746732, gnomAD 0.0009%). This variant has not been reported in the literature in individuals affected with SCN3A-related conditions. ClinVar contains an entry for this variant (Variation ID: 1934263). Invitae Evidence Modeling of protein sequence and biophysical properties (such as structural, functional, and spatial information, amino acid conservation, physicochemical variation, residue mobility, and thermodynamic stability) indicates that this missense variant is not expected to disrupt SCN3A protein function with a negative predictive value of 95%. In summary, the available evidence is currently insufficient to determine the role of this variant in disease. Therefore, it has been classified as a Variant of Uncertain Significance.